The following is an entry in ClinVar:

ClinVar aggregate classification (germline): Uncertain significance. Review status: criteria provided, multiple submitters, no conflicts (2 of 4 stars). 4 submissions from 4 submitters: Uncertain significance (4). Last evaluated 2026-06-01.

Conditions:
Acrocallosal syndrome (ACLS). Also called: Schinzel syndrome 1; Absence of corpus callosum with unusual facial appearance, mental deficiency, duplication of the halluces and polydactyly; HALLUX DUPLICATION, POSTAXIAL POLYDACTYLY, AND ABSENCE OF CORPUS CALLOSUM. Identifiers: Orphanet 36, MedGen C0796147, MONDO:0008708, OMIM 200990.
Inborn genetic diseases. Identifiers: MedGen C0950123, MeSH D030342.

Allele frequency attached by ClinVar (database versions not stated): gnomAD exomes 0.00003; gnomAD 0.00004 and 0.00005; TOPMed 0.00011.
gnomAD v4.1: 16 of 1,551,740 alleles (0.001%); highest among the groups gnomAD compares: African/African-American, 0.018%; no homozygotes.

Submissions (4):

CeGaT Center for Human Genetics Tuebingen
Classification: Uncertain significance. Last evaluated: 2026-06-01. Review status: criteria provided, single submitter. Criteria: CeGaT Center For Human Genetics Tuebingen Variant Classification Criteria Version 2. Collection method: clinical testing. Allele origin: germline. Affected: yes. Observed: 1 variant allele.
Comment: KIF7: PM1, PM2:Supporting, PP3

Ambry Genetics
Classification: Uncertain significance for Inborn genetic diseases. Last evaluated: 2024-07-08. Review status: criteria provided, single submitter. Criteria: Ambry Variant Classification Scheme 2023. Collection method: clinical testing. Allele origin: germline.

GeneDx
Classification: Uncertain significance. Last evaluated: 2024-02-09. Review status: criteria provided, single submitter. Criteria: GeneDx Variant Classification Process June 2021. Collection method: clinical testing. Allele origin: germline. Affected: yes.
Comment: In silico analysis supports that this missense variant has a deleterious effect on protein structure/function; Has not been previously published as pathogenic or benign to our knowledge

Labcorp Genetics (formerly Invitae), Labcorp
Classification: Uncertain significance for Acrocallosal syndrome. Last evaluated: 2020-11-21. Review status: criteria provided, single submitter. Criteria: Invitae Variant Classification Sherloc (09022015). Collection method: clinical testing. Allele origin: germline.
Comment: This sequence change replaces glycine with arginine at codon 174 of the KIF7 protein (p.Gly174Arg). The glycine residue is weakly conserved and there is a moderate physicochemical difference between glycine and arginine. This variant is not present in population databases (ExAC no frequency). This variant has not been reported in the literature in individuals with KIF7-related conditions. Algorithms developed to predict the effect of missense changes on protein structure and function are either unavailable or do not agree on the potential impact of this missense change (SIFT: "Deleterious"; PolyPhen-2: "Probably Damaging"; Align-GVGD: "Class C0"). In summary, the available evidence is currently insufficient to determine the role of this variant in disease. Therefore, it has been classified as a Variant of Uncertain Significance.

NM_198525.3(KIF7):c.520G>A (p.Gly174Arg)

Gene: KIF7 (kinesin family member 7; minus strand). Cytogenetic location: 15q26.1.
Variant type: single nucleotide variant.
Coding change: c.520G>A on transcript NM_198525.3 (MANE Select); coding-DNA position 520, G replaced by A.
Protein change: p.Gly174Arg; replaces glycine 174 with arginine.
Molecular consequence: missense variant.
Genome position (GRCh38, 1-based): chr15:89,649,750, C>T on the plus strand (G>A on the coding strand, the complement: KIF7 is on the minus strand). VCF-style: chr15-89649750-C-T. GRCh37 (hg19) VCF-style: chr15-90192981-C-T.
Other names: c.520G>A (NM_198525.2); short protein forms G174R.
Identifiers: ClinVar variation 1426279 (VCV001426279.10), dbSNP rs188342701, ClinGen allele CA274583064.
Genomic context (GRCh38, chr15:89,649,750, plus strand): 5'-GAAGCCCCCCTAAGCCCCTCTCCGTCAGTGGAGGACCCCAGAGTTCCTCACCAACATTCC[C>T]GCGCTCATCTTCCCGGAGCTGGATGTCACGGCTGGCAGTGCCCACCTCGAGCAGGTCTCG-3'
Protein context (NP_940927.2, residues 164-184): RDIQLREDER[Gly174Arg]NVVLCGVKEV